The following is an entry in ClinVar:

NM_004385.5(VCAN):c.*672A>G

Gene: VCAN (versican; plus strand). Cytogenetic location: 5q14.3.
Variant type: single nucleotide variant.
Coding change: c.*672A>G on transcript NM_004385.5 (MANE Select); 672 bases downstream of the stop codon, A replaced by G.
Molecular consequence: 3 prime UTR variant.
Genome position (GRCh38, 1-based): chr5:83,581,106, A>G. VCF-style: chr5-83581106-A-G. GRCh37 (hg19) VCF-style: chr5-82876925-A-G.
Other names: c.*672A>G (NM_001126336.3, NM_001164097.2, NM_001164098.2).
Identifiers: ClinVar variation 904440 (VCV000904440.4), dbSNP rs532790573, ClinGen allele CA121804133.

ClinVar aggregate classification (germline): Benign. Review status: criteria provided, single submitter (1 of 4 stars). 2 submissions from 1 submitter: Benign (2). Last evaluated 2018-03-20.

Conditions:
Wagner disease. Also called: WAGNER VITREORETINAL DEGENERATION; WAGNER VITREORETINOPATHY; Wagner Vitreoretinal Degeneration (Wagner Synrdome); WAGNER SYNDROME 1; HYALOIDEORETINAL DEGENERATION OF WAGNER; Wagner syndrome. Identifiers: Orphanet 898, MedGen C1840452, MONDO:0007740, OMIM 143200.
Vitreoretinopathy. Also called: Vitreoretinal degeneration. Identifiers: MedGen C0344290, MONDO:0020248, HP:0007773.

Allele frequency attached by ClinVar (database versions not stated): gnomAD 0.00005 and 0.00014; TOPMed 0.00011; 1000 Genomes Project 30x 0.00109; 1000 Genomes Project 0.00120.

Submissions (2):

Illumina Laboratory Services, Illumina
Classification: Benign for Wagner disease. Last evaluated: 2018-03-20. Review status: criteria provided, single submitter. Criteria: ICSL Variant Classification Criteria 13 December 2019. Collection method: clinical testing. Allele origin: germline.
Comment: This variant was observed in the ICSL laboratory as part of a predisposition screen in an ostensibly healthy population. It had not been previously curated by ICSL or reported in the Human Gene Mutation Database (HGMD: prior to June 1st, 2018), and was therefore a candidate for classification through an automated scoring system. Utilizing variant allele frequency, disease prevalence and penetrance estimates, and inheritance mode, an automated score was calculated to assess if this variant is too frequent to cause the disease. Based on the score and internal cut-off values, a variant classified as benign is not then subjected to further curation. The score for this variant resulted in a classification of benign for this disease.

Illumina Laboratory Services, Illumina
Classification: Benign for Vitreoretinopathy. Last evaluated: 2018-03-20. Review status: criteria provided, single submitter. Criteria: ICSL Variant Classification Criteria 13 December 2019. Collection method: clinical testing. Allele origin: germline.
Comment: the same text as in the submission from Illumina Laboratory Services, Illumina above.